The following is an entry in ClinVar:

NM_001318852.2(MAPK8IP3):c.2560A>G (p.Thr854Ala)

Gene: MAPK8IP3 (mitogen-activated protein kinase 8 interacting protein 3; plus strand). Cytogenetic location: 16p13.3.
Variant type: single nucleotide variant.
Coding change: c.2560A>G on transcript NM_001318852.2 (MANE Select); coding-DNA position 2560, A replaced by G.
Protein change: p.Thr854Ala; replaces threonine 854 with alanine.
Molecular consequence: missense variant.
Genome position (GRCh38, 1-based): chr16:1,766,073, A>G. VCF-style: chr16-1766073-A-G. GRCh37 (hg19) VCF-style: chr16-1816074-A-G.
Other names: c.2539A>G, p.Thr847Ala (NM_001040439.2); c.2557A>G, p.Thr853Ala (NM_015133.5); short protein forms T847A, T853A, T854A.
Identifiers: ClinVar variation 4535253 (VCV004535253.6).
Genomic context (GRCh38, chr16:1,766,073, plus strand): 5'-AACCCAGAGGACCCGGGCGCAGATGGCGTGCTGGCCGGTATCACCCTGGTGGGCTGTGCC[A>G]CCCGCTGCAACGTGCCGCGGAGCAACTGCTCCTCCCGAGGGGACACCCCAGTGCTAGACA-3'
Protein context (NP_001305781.1, residues 844-864): LAGITLVGCA[Thr854Ala]RCNVPRSNCS

ClinVar aggregate classification (germline): Uncertain significance (1 of 4 stars; one submission).

Submission:

CeGaT Center for Human Genetics Tuebingen
Classification: Uncertain significance. Last evaluated: 2025-11-01. Review status: criteria provided, single submitter. Criteria: CeGaT Center For Human Genetics Tuebingen Variant Classification Criteria Version 2. Collection method: clinical testing. Allele origin: germline. Affected: yes. Observed: 1 variant allele.
Comment: MAPK8IP3: PM2